The following is an entry in ClinVar:

NM_000035.4(ALDOB):c.966G>A (p.Glu322=)

Gene: ALDOB (aldolase, fructose-bisphosphate B; minus strand). Cytogenetic location: 9q31.1.
Variant type: single nucleotide variant.
Coding change: c.966G>A on transcript NM_000035.4 (MANE Select); coding-DNA position 966, G replaced by A.
Protein change: p.Glu322=; no amino-acid change (glutamic acid 322 retained).
Molecular consequence: synonymous variant.
Genome position (GRCh38, 1-based): chr9:101,424,876, C>T on the plus strand (G>A on the coding strand, the complement: ALDOB is on the minus strand). VCF-style: chr9-101424876-C-T. GRCh37 (hg19) VCF-style: chr9-104187158-C-T.
Other names: c.966G>A, p.Glu322= (LRG_1244t1).
Identifiers: ClinVar variation 509313 (VCV000509313.12), dbSNP rs149166711, ClinGen allele CA5161423.

ClinVar aggregate classification (germline): Likely benign. Review status: criteria provided, multiple submitters, no conflicts (2 of 4 stars). 3 submissions from 3 submitters: Likely benign (2). 1 of the submissions does not count toward it. Last evaluated 2024-03-02.

Conditions:
ALDOB-related disorder. Also called: ALDOB-related condition.
Hereditary fructosuria. Also called: Fructose intolerance; Hereditary fructose intolerance; ALDOB DEFICIENCY; ALDOLASE B DEFICIENCY; FRUCTOSE-1,6-BISPHOSPHATE ALDOLASE B DEFICIENCY; FRUCTOSE-1-PHOSPHATE ALDOLASE DEFICIENCY. Identifiers: Orphanet 469, MedGen C0016751, MONDO:0009249, OMIM 229600, HP:0005973. Disease mechanism: loss of function.

Allele frequency attached by ClinVar (database versions not stated): gnomAD exomes 0.00001 and 0.00002; ExAC 0.00002; gnomAD 0.00002 and 0.00003; TOPMed 0.00002; 1000 Genomes Project 30x 0.00016; 1000 Genomes Project 0.00020.
gnomAD v4.1: 20 of 1,613,682 alleles (0.0012%); highest among the groups gnomAD compares: South Asian, 0.0022%; no homozygotes.

Submissions (3):

Labcorp Genetics (formerly Invitae), Labcorp
Classification: Likely benign for Hereditary fructosuria. Last evaluated: 2024-03-02. Review status: criteria provided, single submitter. Criteria: Invitae Variant Classification Sherloc (09022015). Collection method: clinical testing. Allele origin: germline.

GeneDx
Classification: Likely benign. Last evaluated: 2017-05-15. Review status: criteria provided, single submitter. Criteria: GeneDx Variant Classification (06012015). Collection method: clinical testing. Allele origin: germline. Affected: yes.
Comment: This variant is considered likely benign or benign based on one or more of the following criteria: it is a conservative change, it occurs at a poorly conserved position in the protein, it is predicted to be benign by multiple in silico algorithms, and/or has population frequency not consistent with disease.

PreventionGenetics, part of Exact Sciences
Classification: Likely benign for ALDOB-related condition. Last evaluated: 2019-07-08. Review status: no assertion criteria provided. Collection method: clinical testing. Allele origin: germline. Not counted in ClinVar's aggregate classification.
Comment: This variant is classified as likely benign based on ACMG/AMP sequence variant interpretation guidelines (Richards et al. 2015 PMID: 25741868, with internal and published modifications).